The following is an entry in ClinVar:

NM_001375567.1(FOCAD):c.3785T>A (p.Ile1262Asn)

Gene: FOCAD (focadhesin; plus strand). Cytogenetic location: 9p21.3.
Variant type: single nucleotide variant.
Coding change: c.3785T>A on transcript NM_001375567.1 (MANE Select); coding-DNA position 3785, T replaced by A.
Protein change: p.Ile1262Asn; replaces isoleucine 1262 with asparagine.
Molecular consequence: missense variant.
Genome position (GRCh38, 1-based): chr9:20,948,380, T>A. VCF-style: chr9-20948380-T-A. GRCh37 (hg19) VCF-style: chr9-20948379-T-A.
Other names: c.3680T>A, p.Ile1227Asn (NM_001375568.1, NM_001375570.1); c.3785T>A, p.Ile1262Asn (NM_017794.5); short protein forms I1227N, I1262N.
Identifiers: ClinVar variation 4798818 (VCV004798818.1).

ClinVar aggregate classification (germline): Uncertain significance (1 of 4 stars; one submission).

gnomAD v4.1: 1 of 1,612,336 alleles (0.000062%); highest among the groups gnomAD compares: Non-Finnish European, 0.000085%; no homozygotes.

Submission:

Labcorp Genetics (formerly Invitae), Labcorp
Classification: Uncertain significance. Last evaluated: 2025-05-14. Review status: criteria provided, single submitter. Criteria: Invitae Variant Classification Sherloc (09022015). Collection method: clinical testing. Allele origin: germline.
Comment: This sequence change replaces isoleucine, which is neutral and non-polar, with asparagine, which is neutral and polar, at codon 1262 of the FOCAD protein (p.Ile1262Asn). This variant is not present in population databases (gnomAD no frequency). This variant has not been reported in the literature in individuals affected with FOCAD-related conditions. Experimental studies and prediction algorithms are not available or were not evaluated, and the functional significance of this variant is currently unknown. In summary, the available evidence is currently insufficient to determine the role of this variant in disease. Therefore, it has been classified as a Variant of Uncertain Significance.